The following is an entry in ClinVar:

ClinVar aggregate classification (germline): Conflicting classifications of pathogenicity. Review status: criteria provided, conflicting classifications (1 of 4 stars). 4 submissions from 4 submitters: Likely pathogenic (1); Uncertain significance (3). Last evaluated 2026-05-27.

Conditions:
Autosomal recessive limb-girdle muscular dystrophy type 2A (LGMDR1). Also called: Limb-girdle muscular dystrophy, type 2A; LEYDEN-MOEBIUS MUSCULAR DYSTROPHY; MUSCULAR DYSTROPHY, PELVOFEMORAL; Muscular dystrophy, limb-girdle, type 2A, Amish; Calpainopathy. Identifiers: Orphanet 267, MedGen C1869123, MONDO:0009675, OMIM 253600. Disease mechanism: loss of function.

Submissions (4):

Myriad Genetics, Inc.
Classification: Uncertain significance for Autosomal recessive limb-girdle muscular dystrophy type 2A. Last evaluated: 2026-05-27. Review status: criteria provided, single submitter. Criteria: Myriad Autosomal Dominant, Autosomal Recessive and X-Linked Classification Criteria (2023). Collection method: clinical testing. Allele origin: unknown.
Comment: NM_000070.2(CAPN3):c.1439T>A(F480Y) is a missense variant classified as a variant of uncertain significance in the context of calpainopathy. F480Y has not been observed in cases with relevant disease. Relevant functional assessments of this variant are not available in the literature. F480Y has not been observed in referenced population frequency databases. In summary, there is insufficient evidence to classify NM_000070.2(CAPN3):c.1439T>A(F480Y) as pathogenic or benign. Please note: this variant was assessed in the context of healthy population screening.

Women's Health and Genetics/Laboratory Corporation of America, LabCorp
Classification: Uncertain significance. Last evaluated: 2025-05-20. Review status: criteria provided, single submitter. Criteria: LabCorp Variant Classification Summary - May 2015. Collection method: clinical testing. Allele origin: germline.
Comment: Variant summary: CAPN3 c.1439T>A (p.Phe480Tyr) results in a conservative amino acid change in the encoded protein sequence. Algorithms developed to predict the effect of missense changes on protein structure and function are either unavailable or do not agree on the potential impact of this missense change. The variant was absent in 251428 control chromosomes (gnomAD). c.1439T>A has been observed in individuals affected with autosomal recessive Limb-Girdle Muscular Dystrophy (Internal data). These data indicate that the variant may be associated with disease. To our knowledge, no experimental evidence demonstrating an impact on protein function has been reported. ClinVar contains an entry for this variant (Variation ID: 499203). Based on the evidence outlined above, the variant was classified as VUS-possibly pathogenic.

Labcorp Genetics (formerly Invitae), Labcorp
Classification: Likely pathogenic for Autosomal recessive limb-girdle muscular dystrophy type 2A. Last evaluated: 2023-03-09. Review status: criteria provided, single submitter. Criteria: Invitae Variant Classification Sherloc (09022015). Collection method: clinical testing. Allele origin: germline.
Comment: This sequence change replaces phenylalanine, which is neutral and non-polar, with tyrosine, which is neutral and polar, at codon 480 of the CAPN3 protein (p.Phe480Tyr). This variant is not present in population databases (gnomAD no frequency). This missense change has been observed in individual(s) with clinical features of autosomal recessive limb-girdle muscular dystrophy (Invitae). In at least one individual the data is consistent with being in trans (on the opposite chromosome) from a pathogenic variant. It has also been observed to segregate with disease in related individuals. ClinVar contains an entry for this variant (Variation ID: 499203). Advanced modeling of protein sequence and biophysical properties (such as structural, functional, and spatial information, amino acid conservation, physicochemical variation, residue mobility, and thermodynamic stability) performed at Invitae indicates that this missense variant is expected to disrupt CAPN3 protein function. In summary, the currently available evidence indicates that the variant is pathogenic, but additional data are needed to prove that conclusively. Therefore, this variant has been classified as Likely Pathogenic.

Eurofins Ntd Llc (ga)
Classification: Uncertain significance. Last evaluated: 2017-04-27. Review status: criteria provided, single submitter. Criteria: EGL Classification Definitions 2015. Collection method: clinical testing. Allele origin: germline. Observed: 3 variant alleles, 3 heterozygotes.

NM_000070.3(CAPN3):c.1439T>A (p.Phe480Tyr)

Gene: CAPN3 (calpain 3; plus strand). Cytogenetic location: 15q15.1.
Variant type: single nucleotide variant.
Coding change: c.1439T>A on transcript NM_000070.3 (MANE Select); coding-DNA position 1439, T replaced by A.
Protein change: p.Phe480Tyr; replaces phenylalanine 480 with tyrosine.
Molecular consequence: missense variant.
Genome position (GRCh38, 1-based): chr15:42,401,725, T>A. VCF-style: chr15-42401725-T-A. GRCh37 (hg19) VCF-style: chr15-42693923-T-A.
Other names: c.1439T>A, p.Phe480Tyr (NM_024344.2); c.1295T>A, p.Phe432Tyr (NM_173087.2); short protein forms F480Y, F432Y.
Identifiers: ClinVar variation 499203 (VCV000499203.16), dbSNP rs1555422111, ClinGen allele CA391999851.
Genomic context (GRCh38, chr15:42,401,725, plus strand): 5'-ACCGTCTGAAGCTCCTGGAGGAGGACGATGACCCTGATGACTCGGAGGTGATTTGCAGCT[T>A]CCTGGTGGCCCTGATGCAGAAGAACCGGCGGAAGGACCGGAAGCTAGGGGCCAGTCTCTT-3'
Protein context (NP_000061.1, residues 470-490): DPDDSEVICS[Phe480Tyr]LVALMQKNRR